The following is an entry in ClinVar:

ClinVar aggregate classification (germline): Uncertain significance (1 of 4 stars; one submission).

Submission:

Ambry Genetics
Classification: Uncertain significance. Last evaluated: 2025-07-15. Review status: criteria provided, single submitter. Criteria: Ambry Variant Classification Scheme 2023. Collection method: clinical testing. Allele origin: germline.
Comment: The p.Y609H variant (also known as c.1825T>C), located in coding exon 17 of the SLMAP gene, results from a T to C substitution at nucleotide position 1825. The tyrosine at codon 609 is replaced by histidine, an amino acid with similar properties. This amino acid position is conserved. In addition, the in silico prediction for this alteration is inconclusive. Based on the available evidence, the clinical significance of this variant remains unclear.

NM_001377540.1(SLMAP):c.1927T>C (p.Tyr643His)

Gene: SLMAP (sarcolemma associated protein; plus strand). Cytogenetic location: 3p14.3.
Variant type: single nucleotide variant.
Coding change: c.1927T>C on transcript NM_001377540.1 (MANE Select); coding-DNA position 1927, T replaced by C.
Protein change: p.Tyr643His; replaces tyrosine 643 with histidine.
Molecular consequence: missense variant. On other transcripts: non-coding transcript variant (1).
Genome position (GRCh38, 1-based): chr3:57,912,608, T>C. VCF-style: chr3-57912608-T-C. GRCh37 (hg19) VCF-style: chr3-57898335-T-C.
Other names: c.355T>C, p.Tyr119His (NM_001377928.1, NM_001311179.2, NM_001377926.1 and 1 more transcripts); c.1825T>C, p.Tyr609His (NM_007159.5, NM_001377549.1); c.1927T>C, p.Tyr643His (NM_001377539.1); c.1876T>C, p.Tyr626His (NM_001377541.1, NM_001377542.1, NM_001304420.3); c.1864T>C, p.Tyr622His (NM_001377545.1); c.1813T>C, p.Tyr605His (NM_001377551.1, NM_001377552.1); c.1804T>C, p.Tyr602His (NM_001377555.1); c.1762T>C, p.Tyr588His (NM_001304421.2, NM_001377557.1, NM_001377559.1); and 8 more; short protein forms Y564H, Y602H, Y609H, Y622H, Y650H, Y547H, Y568H, Y581H.
Identifiers: ClinVar variation 4169930 (VCV004169930.1).